The following is an entry in ClinVar:

ClinVar aggregate classification (germline): Uncertain significance (1 of 4 stars; one submission).

Conditions:
Inborn genetic diseases. Identifiers: MedGen C0950123, MeSH D030342.

Submission:

Ambry Genetics
Classification: Uncertain significance for Inborn genetic diseases. Last evaluated: 2020-11-04. Review status: criteria provided, single submitter. Criteria: Ambry Variant Classification Scheme 2023. Collection method: clinical testing. Allele origin: germline.
Comment: The c.1725G>C (p.E575D) alteration is located in exon 16 (coding exon 15) of the SERAC1 gene. This alteration results from a G to C substitution at nucleotide position 1725, causing the glutamic acid (E) at amino acid position 575 to be replaced by an aspartic acid (D). Based on data from the Genome Aggregation Database (gnomAD), the SERAC1 c.1725G>C alteration was not observed, with coverage at this position. This amino acid position is not well conserved in available vertebrate species. The p.E575D alteration is predicted to be tolerated by in silico analysis. Based on insufficient or conflicting evidence, the clinical significance of this alteration remains unclear.

NM_032861.4(SERAC1):c.1725G>C (p.Glu575Asp)

Gene: SERAC1 (serine active site containing 1; minus strand). Cytogenetic location: 6q25.3.
Variant type: single nucleotide variant.
Coding change: c.1725G>C on transcript NM_032861.4 (MANE Select); coding-DNA position 1725, G replaced by C.
Protein change: p.Glu575Asp; replaces glutamic acid 575 with aspartic acid.
Molecular consequence: missense variant.
Genome position (GRCh38, 1-based): chr6:158,113,552, C>G on the plus strand (G>C on the coding strand, the complement: SERAC1 is on the minus strand). VCF-style: chr6-158113552-C-G. GRCh37 (hg19) VCF-style: chr6-158534584-C-G.
Other names: short protein forms E575D.
Identifiers: ClinVar variation 2227770 (VCV002227770.2), dbSNP rs1168994776, ClinGen allele CA366254387.